The following is an entry in ClinVar:

NM_001289125.3(IFNAR2):c.117C>A (p.Cys39Ter)

Genes: IFNAR2 (interferon alpha and beta receptor subunit 2; plus strand), IFNAR2-IL10RB (IFNAR2-IL10RB readthrough; plus strand). Cytogenetic location: 21q22.11.
Variant type: single nucleotide variant.
Coding change: c.117C>A on transcript NM_001289125.3 (MANE Select); coding-DNA position 117, C replaced by A.
Protein change: p.Cys39Ter; replaces cysteine 39 with a stop codon.
Molecular consequence: nonsense.
Genome position (GRCh38, 1-based): chr21:33,244,970, C>A. VCF-style: chr21-33244970-C-A. GRCh37 (hg19) VCF-style: chr21-34617275-C-A.
Other names: c.117C>A, p.Cys39Ter (NM_000874.5, NM_001289126.2, NM_001289128.2 and 4 more transcripts); short protein forms C39*.
Identifiers: ClinVar variation 1509792 (VCV001509792.6), dbSNP rs1164631131, ClinGen allele CA410095465.

ClinVar aggregate classification (germline): Pathogenic (1 of 4 stars; one submission).

Allele frequency attached by ClinVar (database versions not stated): gnomAD exomes below 0.00001; TOPMed below 0.00001; gnomAD 0.00001.
gnomAD v4.1: 5 of 1,612,404 alleles (0.00031%); highest among the groups gnomAD compares: Non-Finnish European, 0.00042%; no homozygotes.

Submission:

Labcorp Genetics (formerly Invitae), Labcorp
Classification: Pathogenic. Last evaluated: 2022-09-19. Review status: criteria provided, single submitter. Criteria: Invitae Variant Classification Sherloc (09022015). Collection method: clinical testing. Allele origin: germline.
Comment: For these reasons, this variant has been classified as Pathogenic. ClinVar contains an entry for this variant (Variation ID: 1509792). This variant has not been reported in the literature in individuals affected with IFNAR2-related conditions. This variant is not present in population databases (gnomAD no frequency). This sequence change creates a premature translational stop signal (p.Cys39*) in the IFNAR2 gene. It is expected to result in an absent or disrupted protein product. Loss-of-function variants in IFNAR2 are known to be pathogenic (PMID: 26424569, 33193576).

Literature cited by the submitters: PubMed 26424569; PubMed 33193576.